The following is an entry in ClinVar:

NM_199420.4(POLQ):c.155C>T (p.Ala52Val)

Genes: POLQ (DNA polymerase theta; minus strand), LOC112872292 (Sharpr-MPRA regulatory region 30; plus strand). Cytogenetic location: 3q13.33.
Variant type: single nucleotide variant.
Coding change: c.155C>T on transcript NM_199420.4 (MANE Select); coding-DNA position 155, C replaced by T.
Protein change: p.Ala52Val; replaces alanine 52 with valine.
Molecular consequence: missense variant.
Genome position (GRCh38, 1-based): chr3:121,545,723, G>A on the plus strand (C>T on the coding strand, the complement: POLQ is on the minus strand). VCF-style: chr3-121545723-G-A. GRCh37 (hg19) VCF-style: chr3-121264570-G-A.
Other names: short protein forms A52V.
Identifiers: ClinVar variation 1775224 (VCV001775224.2), dbSNP rs759325982, ClinGen allele CA2563913.
Genomic context (GRCh38, chr3:121,545,723, plus strand): 5'-GGCCCGGCGGAGCTGCCCCCGTTGCCCGCGGCCTCCCGGGTTCCTGGAGCACCTGCAGCT[G>A]CGGCCTTCAGGCAGCGACCAAGGCCGGGCGGCGGGCTCAGCACGGACCCGGAGAGGAACT-3'
Protein context (NP_955452.3, residues 42-62): PPGLGRCLKA[Ala52Val]AAGECKPTVP

ClinVar aggregate classification (germline): Uncertain significance (1 of 4 stars; one submission).

Allele frequency attached by ClinVar (database versions not stated): gnomAD exomes 0.00001; ExAC 0.00006.
gnomAD v4.1: 3 of 1,564,298 alleles (0.00019%); highest among the groups gnomAD compares: Non-Finnish European, 0.00026%; no homozygotes.

Submission:

Ambry Genetics
Classification: Uncertain significance. Last evaluated: 2022-07-29. Review status: criteria provided, single submitter. Criteria: Ambry Variant Classification Scheme 2023. Collection method: clinical testing. Allele origin: germline.
Comment: The p.A52V variant (also known as c.155C>T), located in coding exon 1 of the POLQ gene, results from a C to T substitution at nucleotide position 155. The alanine at codon 52 is replaced by valine, an amino acid with similar properties. This amino acid position is conserved. In addition, this alteration is predicted to be tolerated by in silico analysis. Since supporting evidence is limited at this time, the clinical significance of this alteration remains unclear.